The following is an entry in ClinVar:

ClinVar aggregate classification (germline): Likely pathogenic (1 of 4 stars; one submission).

Submission:

Mayo Clinic Laboratories, Mayo Clinic
Classification: Likely pathogenic. Last evaluated: 2025-03-24. Review status: criteria provided, single submitter. Criteria: ACMG Guidelines, 2015. Collection method: clinical testing. Allele origin: germline. Observed: 8 variant alleles.
Comment: BP4, PS3, PS4_moderate

Literature cited by the submitters: PubMed 28339660; PubMed 28911789; PubMed 28993505; PubMed 33651882; PubMed 33732239; PubMed 37369098.

NM_002113.3(CFHR1):c.887C>T (p.Ala296Val)

Gene: CFHR1 (complement factor H related 1; plus strand). Cytogenetic location: 1q31.3.
Variant type: single nucleotide variant.
Coding change: c.887C>T on transcript NM_002113.3 (MANE Select); coding-DNA position 887, C replaced by T.
Protein change: p.Ala296Val; replaces alanine 296 with valine.
Molecular consequence: missense variant.
Genome position (GRCh38, 1-based): chr1:196,831,893, C>T. VCF-style: chr1-196831893-C-T. GRCh37 (hg19) VCF-style: chr1-196801023-C-T.
Other names: p.Ala296Val; c.836C>T, p.Ala279Val (NM_001379306.1); c.725C>T, p.Ala242Val (NM_001379307.1); c.722C>T, p.Ala241Val (NM_001379308.1); c.719C>T, p.Ala240Val (NM_001379309.1); c.692C>T, p.Ala231Val (NM_001379310.1); c.683C>T, p.Ala228Val (NM_001379311.1); c.644C>T, p.Ala215Val (NM_001379312.1); short protein forms A215V, A228V, A231V, A240V, A241V, A242V, A279V, A296V.
Identifiers: ClinVar variation 1343371 (VCV001343371.6), dbSNP rs16840561, ClinGen allele CA35827204.